The following is an entry in ClinVar:

ClinVar aggregate classification (germline): Pathogenic/Likely pathogenic. Review status: criteria provided, multiple submitters, no conflicts (2 of 4 stars). 4 submissions from 4 submitters: Pathogenic (1); Likely pathogenic (3). Last evaluated 2026-06-29.

Conditions:
Myofibrillar myopathy 5. Also called: Filaminopathy (type); FILAMINOPATHY, AUTOSOMAL DOMINANT. Identifiers: Orphanet 171445, MedGen C1836050, MONDO:0012289, OMIM 609524.
Hypertrophic cardiomyopathy 26. Also called: Cardiomyopathy, familial hypertrophic, 26. Identifiers: Orphanet 75249, MedGen C4310749, MONDO:0014883, OMIM 617047.
Distal myopathy with posterior leg and anterior hand involvement. Also called: WILLIAMS DISTAL MYOPATHY. Identifiers: Orphanet 63273, MedGen C3279722, MONDO:0013550, OMIM 614065.
FLNC-related disorder. Also called: FLNC-related condition; FLNC-related disorders.
Cardiovascular phenotype. Identifiers: MedGen CN230736.

Allele frequency attached by ClinVar (database versions not stated): gnomAD exomes below 0.00001; ExAC 0.00001.
gnomAD v4.1: 5 of 1,614,104 alleles (0.00031%); highest among the groups gnomAD compares: Non-Finnish European, 0.00034%; no homozygotes.

Submissions (4):

GeneDx
Classification: Pathogenic. Last evaluated: 2026-06-29. Review status: criteria provided, single submitter. Criteria: GeneDx Variant Classification Process June 2021. Collection method: clinical testing. Allele origin: germline.
Comment: Canonical splice site variant predicted to result in a null allele in a gene for which loss of function is a known mechanism of disease; Not observed at significant frequency in large population cohorts (gnomAD); Has not been previously published as pathogenic or benign in association with an FLNC-related disorder to our knowledge; This variant is associated with the following publications: (PMID: 35699965)

Ambry Genetics
Classification: Likely pathogenic for Cardiovascular phenotype. Last evaluated: 2026-04-29. Review status: criteria provided, single submitter. Criteria: Ambry Variant Classification Scheme 2023. Collection method: clinical testing. Allele origin: germline.
Comment: The c.4952-2A>T intronic variant results from an A to T substitution two nucleotides upstream from coding exon 30 in the FLNC gene. This variant is considered to be rare based on population cohorts in the Genome Aggregation Database (gnomAD). This nucleotide position is highly conserved in available vertebrate species. In silico splice site analysis predicts that this alteration will weaken the native splice acceptor site and will result in the creation or strengthening of a novel splice acceptor site. Variants that disrupt the canonical splice site are expected to cause aberrant splicing, resulting in an abnormal protein or a transcript that is subject to nonsense-mediated mRNA decay. As such, this variant is classified as likely pathogenic for FLNC-related dilated cardiomyopathy; however, its clinical significance for FLNC-related hypertrophic/restrictive cardiomyopathy and/or skeletal myopathy is uncertain..

Labcorp Genetics (formerly Invitae), Labcorp
Classification: Likely pathogenic for Distal myopathy with posterior leg and anterior hand involvement; Myofibrillar myopathy 5; Hypertrophic cardiomyopathy 26. Last evaluated: 2025-12-23. Review status: criteria provided, single submitter. Criteria: Invitae Variant Classification Sherloc (09022015). Collection method: clinical testing. Allele origin: germline.
Comment: This sequence change affects an acceptor splice site in intron 29 of the FLNC gene. It is expected to disrupt RNA splicing. Variants that disrupt the donor or acceptor splice site typically lead to a loss of protein function (PMID: 16199547), and loss-of-function variants in FLNC are known to be pathogenic (PMID: 27908349). This variant is present in population databases (rs774945928, gnomAD 0.0009%). This variant has not been reported in the literature in individuals affected with FLNC-related conditions. ClinVar contains an entry for this variant (Variation ID: 570065). Algorithms developed to predict the effect of sequence changes on RNA splicing suggest that this variant may disrupt the consensus splice site. In summary, the currently available evidence indicates that the variant is pathogenic, but additional data are needed to prove that conclusively. Therefore, this variant has been classified as Likely Pathogenic.

Blueprint Genetics
Classification: Likely pathogenic for FLNC-related disorders. Last evaluated: 2024-09-10. Review status: criteria provided, single submitter. Criteria: ACMG Guidelines, 2015. Collection method: clinical testing. Allele origin: germline. Affected: yes. Observed: 1 variant allele.

Literature cited by the submitters: PubMed 16199547 (cited by Labcorp Genetics (formerly Invitae), Labcorp); PubMed 27908349 (cited by Labcorp Genetics (formerly Invitae), Labcorp).

NM_001458.5(FLNC):c.4952-2A>T

Gene: FLNC (filamin C; plus strand). Cytogenetic location: 7q32.1.
Variant type: single nucleotide variant.
Coding change: c.4952-2A>T on transcript NM_001458.5 (MANE Select); the canonical splice acceptor site of the intron before coding-DNA position 4952, A replaced by T.
Molecular consequence: splice acceptor variant.
Genome position (GRCh38, 1-based): chr7:128,849,329, A>T. VCF-style: chr7-128849329-A-T. GRCh37 (hg19) VCF-style: chr7-128489383-A-T.
Other names: c.4952-2A>T (NM_001127487.2).
Identifiers: ClinVar variation 570065 (VCV000570065.12), dbSNP rs774945928, ClinGen allele CA4475529.